The following is an entry in ClinVar:

ClinVar aggregate classification (germline): Uncertain significance (1 of 4 stars; one submission).

Conditions:
Luscan-Lumish syndrome. Identifiers: Orphanet 597738, MedGen C4085873, MONDO:0014791, OMIM 616831.

Allele frequency attached by ClinVar (database versions not stated): gnomAD exomes below 0.00001; gnomAD 0.00001; TOPMed 0.00003.
gnomAD v4.1: 6 of 1,613,870 alleles (0.00037%); highest among the groups gnomAD compares: African/African-American, 0.0067%; no homozygotes.

Submission:

Labcorp Genetics (formerly Invitae), Labcorp
Classification: Uncertain significance for Luscan-Lumish syndrome. Last evaluated: 2022-11-22. Review status: criteria provided, single submitter. Criteria: Invitae Variant Classification Sherloc (09022015). Collection method: clinical testing. Allele origin: germline.
Comment: ClinVar contains an entry for this variant (Variation ID: 838173). In summary, the available evidence is currently insufficient to determine the role of this variant in disease. Therefore, it has been classified as a Variant of Uncertain Significance. Advanced modeling of protein sequence and biophysical properties (such as structural, functional, and spatial information, amino acid conservation, physicochemical variation, residue mobility, and thermodynamic stability) has been performed at Invitae for this missense variant, however the output from this modeling did not meet the statistical confidence thresholds required to predict the impact of this variant on SETD2 protein function. This variant has not been reported in the literature in individuals affected with SETD2-related conditions. This variant is present in population databases (no rsID available, gnomAD 0.006%). This sequence change replaces serine, which is neutral and polar, with asparagine, which is neutral and polar, at codon 1049 of the SETD2 protein (p.Ser1049Asn).

NM_014159.7(SETD2):c.3146G>A (p.Ser1049Asn)

Gene: SETD2 (SET domain containing 2, histone lysine methyltransferase; minus strand). Cytogenetic location: 3p21.31.
Variant type: single nucleotide variant.
Coding change: c.3146G>A on transcript NM_014159.7 (MANE Select); coding-DNA position 3146, G replaced by A.
Protein change: p.Ser1049Asn; replaces serine 1049 with asparagine.
Molecular consequence: missense variant. On other transcripts: non-coding transcript variant (1).
Genome position (GRCh38, 1-based): chr3:47,121,490, C>T on the plus strand (G>A on the coding strand, the complement: SETD2 is on the minus strand). VCF-style: chr3-47121490-C-T. GRCh37 (hg19) VCF-style: chr3-47162980-C-T.
Other names: c.3014G>A, p.Ser1005Asn (NM_001349370.3); short protein forms S1049N, S1005N.
Identifiers: ClinVar variation 838173 (VCV000838173.8), dbSNP rs995603520, ClinGen allele CA73809394.